The following is an entry in ClinVar:

NM_000361.3(THBD):c.302G>T (p.Arg101Leu)

Gene: THBD (thrombomodulin; minus strand). Cytogenetic location: 20p11.21.
Variant type: single nucleotide variant.
Coding change: c.302G>T on transcript NM_000361.3 (MANE Select); coding-DNA position 302, G replaced by T.
Protein change: p.Arg101Leu; replaces arginine 101 with leucine.
Molecular consequence: missense variant.
Genome position (GRCh38, 1-based): chr20:23,049,203, C>A on the plus strand (G>T on the coding strand, the complement: THBD is on the minus strand). VCF-style: chr20-23049203-C-A. GRCh37 (hg19) VCF-style: chr20-23029840-C-A.
Other names: short protein forms R101L.
Identifiers: ClinVar variation 1022187 (VCV001022187.10), dbSNP rs546519295, ClinGen allele CA9787757.

ClinVar aggregate classification (germline): Uncertain significance. Review status: criteria provided, multiple submitters, no conflicts (2 of 4 stars). 3 submissions from 3 submitters: Uncertain significance (3). Last evaluated 2025-09-22.

Conditions:
Thrombomodulin-related bleeding disorder (THPH12). Also called: Thrombophilia due to thrombomodulin defect. Identifiers: Orphanet 436169, MedGen C3280976, MONDO:0013775, OMIM 614486.
Atypical hemolytic-uremic syndrome with thrombomodulin anomaly. Also called: HEMOLYTIC UREMIC SYNDROME, ATYPICAL, SUSCEPTIBILITY TO, 6; AHUS, SUSCEPTIBILITY TO, 6. Identifiers: MedGen C2752036, MONDO:0013044, OMIM 612926. Disease mechanism: gain of function.

Allele frequency attached by ClinVar (database versions not stated): TOPMed 0.00002.

Submissions (3):

Genomenon, Inc
Classification: Uncertain significance for Thrombomodulin-related bleeding disorder. Last evaluated: 2025-09-22. Review status: criteria provided, single submitter. Criteria: Genomenon Sequence Variant Interpretation Standards - Updated. Collection method: curation. Allele origin: germline. Affected: no.
Comment: THBD p.Arg101Leu (c.302G>T) is a missense variant that changes the amino acid at residue 101 from Arginine to Leucine. This variant has been reported in the published literature (PMID:29181379;27727376). It is absent or not present at a significant frequency in gnomAD. In silico models agree that this variant is not damaging. In conclusion, we classify THBD p.Arg101Leu (c.302G>T) as a variant of unknown significance.

Labcorp Genetics (formerly Invitae), Labcorp
Classification: Uncertain significance. Last evaluated: 2025-02-11. Review status: criteria provided, single submitter. Criteria: Invitae Variant Classification Sherloc (09022015). Collection method: clinical testing. Allele origin: germline.
Comment: This sequence change replaces arginine, which is basic and polar, with leucine, which is neutral and non-polar, at codon 101 of the THBD protein (p.Arg101Leu). This variant is present in population databases (rs546519295, gnomAD 0.003%). This variant has not been reported in the literature in individuals affected with THBD-related conditions. ClinVar contains an entry for this variant (Variation ID: 1022187). An algorithm developed to predict the effect of missense changes on protein structure and function (PolyPhen-2) suggests that this variant is likely to be tolerated. In summary, the available evidence is currently insufficient to determine the role of this variant in disease. Therefore, it has been classified as a Variant of Uncertain Significance.

Fulgent Genetics
Classification: Uncertain significance for Atypical hemolytic-uremic syndrome with thrombomodulin anomaly; Thrombomodulin-related bleeding disorder. Last evaluated: 2024-03-27. Review status: criteria provided, single submitter. Criteria: ACMG Guidelines, 2015. Collection method: clinical testing. Allele origin: germline.

Literature cited by the submitters: PubMed 29181379 (cited by Genomenon, Inc); PubMed 27727376 (cited by Genomenon, Inc).